The following is an entry in ClinVar:

ClinVar aggregate classification (germline): Uncertain significance (1 of 4 stars; one submission).

Conditions:
Neuropathy, hereditary sensory and autonomic, type 1C. Also called: HSAN IC; HSN IC. Identifiers: Orphanet 36386, MedGen C3150896, MONDO:0013337, OMIM 613640.

gnomAD v4.1: 7 of 1,614,082 alleles (0.00043%); highest among the groups gnomAD compares: Non-Finnish European, 0.00051%; no homozygotes.

Submission:

Labcorp Genetics (formerly Invitae), Labcorp
Classification: Uncertain significance for Neuropathy, hereditary sensory and autonomic, type 1C. Last evaluated: 2024-08-19. Review status: criteria provided, single submitter. Criteria: Invitae Variant Classification Sherloc (09022015). Collection method: clinical testing. Allele origin: germline.
Comment: This sequence change replaces arginine, which is basic and polar, with tryptophan, which is neutral and slightly polar, at codon 207 of the SPTLC2 protein (p.Arg207Trp). This variant is not present in population databases (gnomAD no frequency). This variant has not been reported in the literature in individuals affected with SPTLC2-related conditions. Invitae Evidence Modeling of protein sequence and biophysical properties (such as structural, functional, and spatial information, amino acid conservation, physicochemical variation, residue mobility, and thermodynamic stability) indicates that this missense variant is expected to disrupt SPTLC2 protein function with a positive predictive value of 80%. In summary, the available evidence is currently insufficient to determine the role of this variant in disease. Therefore, it has been classified as a Variant of Uncertain Significance.

NM_004863.4(SPTLC2):c.619C>T (p.Arg207Trp)

Gene: SPTLC2 (serine palmitoyltransferase long chain base subunit 2; minus strand). Cytogenetic location: 14q24.3.
Variant type: single nucleotide variant.
Coding change: c.619C>T on transcript NM_004863.4 (MANE Select); coding-DNA position 619, C replaced by T.
Protein change: p.Arg207Trp; replaces arginine 207 with tryptophan.
Molecular consequence: missense variant.
Genome position (GRCh38, 1-based): chr14:77,576,779, G>A on the plus strand (C>T on the coding strand, the complement: SPTLC2 is on the minus strand). VCF-style: chr14-77576779-G-A. GRCh37 (hg19) VCF-style: chr14-78043122-G-A.
Other names: short protein forms R207W.
Identifiers: ClinVar variation 3637762 (VCV003637762.2).
Genomic context (GRCh38, chr14:77,576,779, plus strand): 5'-TAAAACAATGTCAAAAACAGCAGCTGGCCAAATACAGCTTTCACTTACCAATTTCCTGCC[G>A]AGTACTGCACACTCCAGCTCCATACTCCTCAAGGACTTTGGCGGCTGCTTCTTGACATGA-3'
Protein context (NP_004854.1, residues 197-217): EEYGAGVCST[Arg207Trp]QEIGNLDKHE